The following is an entry in ClinVar:

NM_138792.4(LEO1):c.1117T>G (p.Leu373Val)

Gene: LEO1 (LEO1 component of Paf1/RNA polymerase II complex; minus strand). Cytogenetic location: 15q21.2.
Variant type: single nucleotide variant.
Coding change: c.1117T>G on transcript NM_138792.4 (MANE Select); coding-DNA position 1117, T replaced by G.
Protein change: p.Leu373Val; replaces leucine 373 with valine.
Molecular consequence: missense variant.
Genome position (GRCh38, 1-based): chr15:51,959,942, A>C on the plus strand (T>G on the coding strand, the complement: LEO1 is on the minus strand). VCF-style: chr15-51959942-A-C. GRCh37 (hg19) VCF-style: chr15-52252139-A-C.
Other names: c.1117T>G, p.Leu373Val (NM_001286430.2, NM_001323903.2, NM_001323904.2 and 2 more transcripts); short protein forms L373V.
Identifiers: ClinVar variation 4056060 (VCV004056060.1).

ClinVar aggregate classification (germline): Uncertain significance (1 of 4 stars; one submission).

Submission:

GeneDx
Classification: Uncertain significance. Last evaluated: 2025-01-07. Review status: criteria provided, single submitter. Criteria: GeneDx Variant Classification Process June 2021. Collection method: clinical testing. Allele origin: germline. Affected: yes.
Comment: Not observed at significant frequency in large population cohorts (gnomAD); In silico analysis indicates that this missense variant does not alter protein structure/function; Has not been previously published as pathogenic or benign to our knowledge